The following is an entry in ClinVar:

ClinVar aggregate classification (germline): Uncertain significance (1 of 4 stars; one submission).

Allele frequency attached by ClinVar (database versions not stated): gnomAD exomes below 0.00001; TOPMed below 0.00001; gnomAD 0.00001.
gnomAD v4.1: 4 of 1,535,798 alleles (0.00026%); highest among the groups gnomAD compares: Non-Finnish European, 0.00035%; no homozygotes.

Submission:

Labcorp Genetics (formerly Invitae), Labcorp
Classification: Uncertain significance. Last evaluated: 2018-04-06. Review status: criteria provided, single submitter. Criteria: Invitae Variant Classification Sherloc (09022015). Collection method: clinical testing. Allele origin: germline.
Comment: In summary, the available evidence is currently insufficient to determine the role of this variant in disease. Therefore, it has been classified as a Variant of Uncertain Significance. This variant has not been reported in the literature in individuals with MAGEL2-related disease. While this variant is not present in population databases, the frequency information is unreliable, as metrics indicate poor data quality at this position in the ExAC database. This sequence change replaces alanine with serine at codon 313 of the MAGEL2 protein (p.Ala313Ser). There is a moderate physicochemical difference between alanine and serine.

NM_019066.5(MAGEL2):c.937G>T (p.Ala313Ser)

Gene: MAGEL2 (MAGE family member L2; minus strand). Cytogenetic location: 15q11.2.
Variant type: single nucleotide variant.
Coding change: c.937G>T on transcript NM_019066.5 (MANE Select); coding-DNA position 937, G replaced by T.
Protein change: p.Ala313Ser; replaces alanine 313 with serine.
Molecular consequence: missense variant.
Genome position (GRCh38, 1-based): chr15:23,646,806, C>A on the plus strand (G>T on the coding strand, the complement: MAGEL2 is on the minus strand). VCF-style: chr15-23646806-C-A. GRCh37 (hg19) VCF-style: chr15-23891953-C-A.
Other names: short protein forms A313S.
Identifiers: ClinVar variation 1005655 (VCV001005655.7), dbSNP rs760557510, ClinGen allele CA391335519.